The following is an entry in ClinVar:

NM_000352.6(ABCC8):c.4376T>G (p.Leu1459Arg)

Gene: ABCC8 (ATP binding cassette subfamily C member 8; minus strand). Cytogenetic location: 11p15.1.
Variant type: single nucleotide variant.
Coding change: c.4376T>G on transcript NM_000352.6 (MANE Select); coding-DNA position 4376, T replaced by G.
Protein change: p.Leu1459Arg; replaces leucine 1459 with arginine.
Molecular consequence: missense variant. On other transcripts: non-coding transcript variant (1).
Genome position (GRCh38, 1-based): chr11:17,395,207, A>C on the plus strand (T>G on the coding strand, the complement: ABCC8 is on the minus strand). VCF-style: chr11-17395207-A-C. GRCh37 (hg19) VCF-style: chr11-17416754-A-C.
Other names: c.4376T>G (NM_000352.4); c.4379T>G, p.Leu1460Arg (NM_001287174.3); c.4442T>G, p.Leu1481Arg (NM_001351295.2); c.4376T>G, p.Leu1459Arg (NM_001351296.2); c.4373T>G, p.Leu1458Arg (NM_001351297.2); short protein forms L1459R, L1460R, L1458R, L1481R.
Identifiers: ClinVar variation 434058 (VCV000434058.21), dbSNP rs971604271, ClinGen allele CA218407548.

ClinVar aggregate classification (germline): Pathogenic/Likely pathogenic. Review status: criteria provided, multiple submitters, no conflicts (2 of 4 stars). 6 submissions from 6 submitters: Pathogenic (1); Likely pathogenic (5). Last evaluated 2026-04-20.

Conditions:
Hereditary hyperinsulinism.
Hyperinsulinemic hypoglycemia, familial, 1 (HHF1). Also called: Persistent Hyperinsulinemia Hypoglycemia of Infancy; HYPERINSULINISM, FAMILIAL, WITH PANCREATIC NESIDIOBLASTOSIS; HYPOGLYCEMIA, HYPERINSULINEMIC, OF INFANCY; NESIDIOBLASTOSIS OF PANCREAS; Persistent hyperinsulinemic hypoglycemia of infancy. Identifiers: Orphanet 276575, Orphanet 276598, MedGen C2931832, MONDO:0009734, OMIM 256450.
Familial hyperinsulinism. Also called: Congenital hyperinsulinism. Identifiers: Orphanet 276525, MedGen C3888018, MONDO:0017182. Disease mechanism: loss of function.

Allele frequency attached by ClinVar (database versions not stated): gnomAD 0.00001; TOPMed 0.00001.
gnomAD v4.1: 2 of 1,593,960 alleles (0.00013%); highest among the groups gnomAD compares: Non-Finnish European, 0.00017%; no homozygotes.

Submissions (6):

Women's Health and Genetics/Laboratory Corporation of America, LabCorp
Classification: Likely pathogenic for Familial hyperinsulinism. Last evaluated: 2026-04-20. Review status: criteria provided, single submitter. Criteria: LabCorp Variant Classification Summary - May 2015. Collection method: clinical testing. Allele origin: germline.
Comment: Variant summary: ABCC8 c.4376T>G (p.Leu1459Arg) results in a non-conservative amino acid change in the encoded protein sequence. Algorithms developed to predict the effect of missense changes on protein structure and function all suggest that this variant is likely to be disruptive. The variant was absent in 218654 control chromosomes. c.4376T>G has been observed in individual(s) affected with Familial Hyperinsulinism (Snider_2013). These data indicate that the variant may be associated with disease. To our knowledge, no experimental evidence demonstrating an impact on protein function has been reported. Internally validated machine learning-based Evidence Modeling of protein sequence and biophysical properties (such as structural, functional, and spatial information, amino acid conservation, physicochemical variation, residue mobility, and thermodynamic stability) indicates that this missense variant is expected to disrupt protein function with a positive predictive value of at least 95%.The following publication has been ascertained in the context of this evaluation (PMID: 12345678). The following publication have been ascertained in the context of this evaluation (PMID: 23275527). ClinVar contains an entry for this variant (Variation ID: 434058). Based on the evidence outlined above, the variant was classified as likely pathogenic.

Natera, Inc.
Classification: Likely pathogenic for Hereditary hyperinsulinism. Last evaluated: 2025-09-29. Review status: criteria provided, single submitter. Criteria: Natera Variant Classification Schema (03/2026). Collection method: clinical testing. Allele origin: germline.
Comment: The c.4376T>G variant in ABCC8 is a missense variant predicted to cause substitution of leucine to arginine at amino acid 1459. This variant is rare in the general population with a frequency below the threshold expected for the associated phenotype(s). This variant has been observed in one or more individuals affected with the associated recessive disease, as either homozygous or compound heterozygous with a second variant (PMID: 23275527). Computational prediction algorithms indicate this variant is likely to affect gene or protein function. Given the available evidence, this variant is classified as Likely Pathogenic.

Myriad Genetics, Inc.
Classification: Likely pathogenic for Hyperinsulinemic hypoglycemia, familial, 1. Last evaluated: 2025-06-30. Review status: criteria provided, single submitter. Criteria: Myriad Autosomal Dominant, Autosomal Recessive and X-Linked Classification Criteria (2023). Collection method: clinical testing. Allele origin: unknown.
Comment: NM_000352.3(ABCC8):c.4376T>G(L1459R) is a missense variant classified as likely pathogenic in the context of familial hyperinsulinism, ABCC8-related. L1459R has been observed in cases with relevant disease (PMID: 33108363, 23275527). Relevant functional assessments of this variant are not available in the literature. L1459R has not been observed in referenced population frequency databases. In summary, NM_000352.3(ABCC8):c.4376T>G(L1459R) is a missense variant that has been observed more frequently in cases with the relevant disease than in healthy populations. Please note: this variant was assessed in the context of healthy population screening.

Labcorp Genetics (formerly Invitae), Labcorp
Classification: Likely pathogenic. Last evaluated: 2023-10-16. Review status: criteria provided, single submitter. Criteria: Invitae Variant Classification Sherloc (09022015). Collection method: clinical testing. Allele origin: germline.
Comment: This sequence change replaces leucine, which is neutral and non-polar, with arginine, which is basic and polar, at codon 1459 of the ABCC8 protein (p.Leu1459Arg). This variant is not present in population databases (gnomAD no frequency). This missense change has been observed in individuals with autosomal recessive diffuse hyperinsulinism (PMID: 23275527). This variant is also known as c.4379T>G (p.Leu1460Arg). ClinVar contains an entry for this variant (Variation ID: 434058). Advanced modeling of protein sequence and biophysical properties (such as structural, functional, and spatial information, amino acid conservation, physicochemical variation, residue mobility, and thermodynamic stability) performed at Invitae indicates that this missense variant is expected to disrupt ABCC8 protein function. In summary, the currently available evidence indicates that the variant is pathogenic, but additional data are needed to prove that conclusively. Therefore, this variant has been classified as Likely Pathogenic.

Greenwood Genetic Center Diagnostic Laboratories, Greenwood Genetic Center
Classification: Likely pathogenic. Last evaluated: 2020-08-31. Review status: criteria provided, single submitter. Criteria: ACMG Guidelines, 2015. Collection method: clinical testing. Allele origin: germline. Affected: yes.

Genetic Services Laboratory, University of Chicago
Classification: Pathogenic for Hyperinsulinemic hypoglycemia, familial, 1. Last evaluated: 2017-03-17. Review status: criteria provided, single submitter. Criteria: ACMG Guidelines, 2015. Collection method: clinical testing. Allele origin: germline. Affected: yes.

Literature cited by the submitters: PubMed 23275527 (cited by 4 submitters); PubMed 33108363 (cited by Myriad Genetics, Inc.).